The following is an entry in ClinVar:

NM_001080421.3(UNC13A):c.5034C>T (p.Asp1678=)

Gene: UNC13A (unc-13 homolog A; minus strand). Cytogenetic location: 19p13.11.
Variant type: single nucleotide variant.
Coding change: c.5034C>T on transcript NM_001080421.3 (MANE Select); coding-DNA position 5034, C replaced by T.
Protein change: p.Asp1678=; no amino-acid change (aspartic acid 1678 retained).
Molecular consequence: synonymous variant.
Genome position (GRCh38, 1-based): chr19:17,606,132, G>A on the plus strand (C>T on the coding strand, the complement: UNC13A is on the minus strand). VCF-style: chr19-17606132-G-A. GRCh37 (hg19) VCF-style: chr19-17716941-G-A.
Other names: c.5022C>T, p.Asp1674= (NM_001387021.1); c.5019C>T, p.Asp1673= (NM_001387022.1); c.4953C>T, p.Asp1651= (NM_001387023.1).
Identifiers: ClinVar variation 3050776 (VCV003050776.2), dbSNP rs890020457, ClinGen allele CA306128966.

ClinVar aggregate classification (germline): Likely benign (0 of 4 stars; one submission).

Conditions:
UNC13A-related disorder. Also called: UNC13A-related condition.

gnomAD v4.1: 3 of 1,593,378 alleles (0.00019%); highest among the groups gnomAD compares: Non-Finnish European, 0.00026%; no homozygotes.

Submission:

PreventionGenetics, part of Exact Sciences
Classification: Likely benign for UNC13A-related condition. Last evaluated: 2019-07-10. Review status: no assertion criteria provided. Collection method: clinical testing. Allele origin: germline.
Comment: This variant is classified as likely benign based on ACMG/AMP sequence variant interpretation guidelines (Richards et al. 2015 PMID: 25741868, with internal and published modifications).